The following is an entry in ClinVar:

NM_004859.4(CLTC):c.4323+2_4323+3dup

Genes: CLTC (clathrin heavy chain; plus strand), LOC126862609 (CDK7 strongly-dependent group 2 enhancer GRCh37_chr17:57760547-57761746; plus strand). Cytogenetic location: 17q23.1.
Variant type: Duplication.
Coding change: c.4323+2_4323+3dup on transcript NM_004859.4 (MANE Select); the canonical splice donor site of the intron after coding-DNA position 4323 through 3 bases into the intron after coding-DNA position 4323, 2 bases duplicated (TA; older notation c.4323+2_4323+3dupTA).
Molecular consequence: splice donor variant.
Genome position (GRCh38, 1-based): chr17:59,683,758-59,683,759, TA duplicated. VCF-style (leftmost placement, unchanged base first): chr17-59683757-G-GTA. GRCh37 (hg19) VCF-style: chr17-57761118-G-GTA.
Other names: c.4335+2_4335+3dup (NM_001288653.2).
Identifiers: ClinVar variation 1466948 (VCV001466948.6), dbSNP rs2143596644, ClinGen allele CA2573154438.

ClinVar aggregate classification (germline): Uncertain significance (1 of 4 stars; one submission).

Submission:

Labcorp Genetics (formerly Invitae), Labcorp
Classification: Uncertain significance. Last evaluated: 2022-01-13. Review status: criteria provided, single submitter. Criteria: Invitae Variant Classification Sherloc (09022015). Collection method: clinical testing. Allele origin: germline.
Comment: This sequence change falls in intron 27 of the CLTC gene. It does not directly change the encoded amino acid sequence of the CLTC protein. It affects a nucleotide within the consensus splice site. This variant is not present in population databases (gnomAD no frequency). This variant has not been reported in the literature in individuals affected with CLTC-related conditions. Variants that disrupt the consensus splice site are a relatively common cause of aberrant splicing (PMID: 17576681, 9536098). Algorithms developed to predict the effect of sequence changes on RNA splicing suggest that this variant may disrupt the consensus splice site. In summary, the available evidence is currently insufficient to determine the role of this variant in disease. Therefore, it has been classified as a Variant of Uncertain Significance.

Literature cited by the submitters: PubMed 17576681; PubMed 9536098.